The following is an entry in ClinVar:

NM_000124.4(ERCC6):c.1046C>T (p.Pro349Leu)

Gene: ERCC6 (ERCC excision repair 6, chromatin remodeling factor; minus strand). Cytogenetic location: 10q11.23.
Variant type: single nucleotide variant.
Coding change: c.1046C>T on transcript NM_000124.4 (MANE Select); coding-DNA position 1046, C replaced by T.
Protein change: p.Pro349Leu; replaces proline 349 with leucine.
Molecular consequence: missense variant.
Genome position (GRCh38, 1-based): chr10:49,524,384, G>A on the plus strand (C>T on the coding strand, the complement: ERCC6 is on the minus strand). VCF-style: chr10-49524384-G-A. GRCh37 (hg19) VCF-style: chr10-50732430-G-A.
Other names: c.1046C>T, p.Pro349Leu (NM_001277058.2, NM_001277059.2, NM_001346440.2); short protein forms P349L.
Identifiers: ClinVar variation 2918468 (VCV002918468.3), dbSNP rs1209786479, ClinGen allele CA376753240.

ClinVar aggregate classification (germline): Uncertain significance (1 of 4 stars; one submission).

Allele frequency attached by ClinVar (database versions not stated): gnomAD exomes below 0.00001.
gnomAD v4.1: 4 of 1,614,098 alleles (0.00025%); highest among the groups gnomAD compares: Middle Eastern, 0.017%; no homozygotes.

Submission:

Labcorp Genetics (formerly Invitae), Labcorp
Classification: Uncertain significance. Last evaluated: 2024-01-26. Review status: criteria provided, single submitter. Criteria: Invitae Variant Classification Sherloc (09022015). Collection method: clinical testing. Allele origin: germline.
Comment: This sequence change replaces proline, which is neutral and non-polar, with leucine, which is neutral and non-polar, at codon 349 of the ERCC6 protein (p.Pro349Leu). This variant is present in population databases (no rsID available, gnomAD 0.0009%). This variant has not been reported in the literature in individuals affected with ERCC6-related conditions. Advanced modeling of protein sequence and biophysical properties (such as structural, functional, and spatial information, amino acid conservation, physicochemical variation, residue mobility, and thermodynamic stability) performed at Invitae indicates that this missense variant is not expected to disrupt ERCC6 protein function with a negative predictive value of 95%. In summary, the available evidence is currently insufficient to determine the role of this variant in disease. Therefore, it has been classified as a Variant of Uncertain Significance.